The following is an entry in ClinVar:

ClinVar aggregate classification (germline): Uncertain significance (1 of 4 stars; one submission).

Conditions:
Nemaline myopathy 10 (NEM10). Identifiers: MedGen C4015360, MONDO:0014513, OMIM 616165.

gnomAD v4.1: 18 of 1,546,358 alleles (0.0012%); highest among the groups gnomAD compares: Non-Finnish European, 0.0015%; no homozygotes.

Submission:

Labcorp Genetics (formerly Invitae), Labcorp
Classification: Uncertain significance for Nemaline myopathy 10. Last evaluated: 2024-01-22. Review status: criteria provided, single submitter. Criteria: Invitae Variant Classification Sherloc (09022015). Collection method: clinical testing. Allele origin: germline.
Comment: This sequence change replaces aspartic acid, which is acidic and polar, with glutamic acid, which is acidic and polar, at codon 156 of the LMOD3 protein (p.Asp156Glu). This variant is present in population databases (no rsID available, gnomAD 0.003%). This variant has not been reported in the literature in individuals affected with LMOD3-related conditions. ClinVar contains an entry for this variant (Variation ID: 1055086). Algorithms developed to predict the effect of missense changes on protein structure and function output the following: SIFT: "Not Available"; PolyPhen-2: "Benign"; Align-GVGD: "Not Available". The glutamic acid amino acid residue is found in multiple mammalian species, which suggests that this missense change does not adversely affect protein function. In summary, the available evidence is currently insufficient to determine the role of this variant in disease. Therefore, it has been classified as a Variant of Uncertain Significance.

NM_198271.5(LMOD3):c.468C>A (p.Asp156Glu)

Gene: LMOD3 (leiomodin 3; minus strand). Cytogenetic location: 3p14.1.
Variant type: single nucleotide variant.
Coding change: c.468C>A on transcript NM_198271.5 (MANE Select); coding-DNA position 468, C replaced by A.
Protein change: p.Asp156Glu; replaces aspartic acid 156 with glutamic acid.
Molecular consequence: missense variant.
Genome position (GRCh38, 1-based): chr3:69,119,887, G>T on the plus strand (C>A on the coding strand, the complement: LMOD3 is on the minus strand). VCF-style: chr3-69119887-G-T. GRCh37 (hg19) VCF-style: chr3-69169038-G-T.
Other names: c.468C>A, p.Asp156Glu (NM_001304418.3); short protein forms D156E.
Identifiers: ClinVar variation 1055086 (VCV001055086.3), dbSNP rs537602397, ClinGen allele CA76453798.
Genomic context (GRCh38, chr3:69,119,887, plus strand): 5'-TTTGCCTTCCTCTTCTCTGTTCGTTTCTTCACTCTCTTCACCATCATCTTCTCCTTCGTC[G>T]TCATCATCATCATCTTCTTCTTCTTCATCTTCTTCATCTGTTTCTTGGATATTGCTGCTG-3'
Protein context (NP_938012.2, residues 146-166): EDEEEEDDDD[Asp156Glu]DEGEDDGEES